The following is an entry in ClinVar:

NM_000169.3(GLA):c.640-2A>G

Genes: GLA (galactosidase alpha; minus strand), RPL36A-HNRNPH2 (RPL36A-HNRNPH2 readthrough; plus strand). Cytogenetic location: Xq22.1.
Variant type: single nucleotide variant.
Coding change: c.640-2A>G on transcript NM_000169.3 (MANE Select); the canonical splice acceptor site of the intron before coding-DNA position 640, A replaced by G.
Molecular consequence: splice acceptor variant. On other transcripts: intron variant (2).
Genome position (GRCh38, 1-based): chrX:101,398,948, T>C on the plus strand (A>G on the coding strand, the complement: GLA is on the minus strand). VCF-style: chrX-101398948-T-C. GRCh37 (hg19) VCF-style: chrX-100653936-T-C.
Other names: c.300+3491T>C (NM_001199973.2); c.177+7126T>C (NM_001199974.2); c.763-2A>G (NM_001406747.1); c.640-2A>G (NM_001406748.1).
Identifiers: ClinVar variation 1415938 (VCV001415938.7), dbSNP rs2147473470, ClinGen allele CA413925193.

ClinVar aggregate classification (germline): Pathogenic. Review status: criteria provided, multiple submitters, no conflicts (2 of 4 stars). 2 submissions from 2 submitters: Pathogenic (2). Last evaluated 2026-09-08.

Conditions:
Fabry disease. Also called: Fabry's disease; Angiokeratoma corporis diffusum; Ceramide trihexosidosis; ALPHA-GALACTOSIDASE A DEFICIENCY; ANDERSON-FABRY DISEASE; CERAMIDE TRIHEXOSIDASE DEFICIENCY. Identifiers: Orphanet 324, MedGen C0002986, MONDO:0010526, OMIM 301500, HP:0001071. Disease mechanism: loss of function, Fabry disease is due to inactivating mutations in the X-linked GLA gene resulting in deficiency of the enzyme Alpha Galactosidase-A..

Submissions (2):

Genomenon, Inc
Classification: Pathogenic for Fabry disease. Last evaluated: 2026-09-08. Review status: criteria provided, single submitter. Criteria: Genomenon Sequence Variant Interpretation Standards - Updated. Collection method: curation. Allele origin: germline. Affected: yes.
Comment: GLA c.640-2A>G is a canonical splice variant affecting the acceptor splice site of intron 4. It is predicted to affect mRNA splicing, leading to a deleterious effect on the GLA protein. This variant has been observed in at least one proband with clinical features consistent with Fabry disease (PMID:39766319). It is absent or not present at a significant frequency in gnomAD. In conclusion, we classify GLA c.640-2A>G as a pathogenic variant.

Labcorp Genetics (formerly Invitae), Labcorp
Classification: Pathogenic for Fabry disease. Last evaluated: 2021-08-07. Review status: criteria provided, single submitter. Criteria: Invitae Variant Classification Sherloc (09022015). Collection method: clinical testing. Allele origin: germline.
Comment: Disruption of this splice site has been observed in individuals with Fabry disease (PMID: 16595074, 18023222). For these reasons, this variant has been classified as Pathogenic. Algorithms developed to predict the effect of sequence changes on RNA splicing suggest that this variant may disrupt the consensus splice site. This variant is not present in population databases (ExAC no frequency). This sequence change affects an acceptor splice site in intron 4 of the GLA gene. It is expected to disrupt RNA splicing. Variants that disrupt the donor or acceptor splice site typically lead to a loss of protein function (PMID: 16199547), and loss-of-function variants in GLA are known to be pathogenic (PMID: 10666480, 12175777).

Literature cited by the submitters: PubMed 39766319 (cited by Genomenon, Inc); PubMed 16595074 (cited by Labcorp Genetics (formerly Invitae), Labcorp); PubMed 18023222 (cited by Labcorp Genetics (formerly Invitae), Labcorp); PubMed 16199547 (cited by Labcorp Genetics (formerly Invitae), Labcorp); PubMed 10666480 (cited by Labcorp Genetics (formerly Invitae), Labcorp); PubMed 12175777 (cited by Labcorp Genetics (formerly Invitae), Labcorp).